The following is an entry in ClinVar:

NM_001374353.1(GLI2):c.1468-13C>A

Gene: GLI2 (GLI family zinc finger 2; plus strand). Cytogenetic location: 2q14.2.
Variant type: single nucleotide variant.
Coding change: c.1468-13C>A on transcript NM_001374353.1 (MANE Select); 13 bases into the intron before coding-DNA position 1468, C replaced by A.
Molecular consequence: intron variant.
Genome position (GRCh38, 1-based): chr2:120,982,703, C>A. VCF-style: chr2-120982703-C-A. GRCh37 (hg19) VCF-style: chr2-121740279-C-A.
Other names: c.1519-13C>A (NM_001371271.1, NM_005270.5); c.1093-13C>A (NM_001374354.1).
Identifiers: ClinVar variation 2945119 (VCV002945119.3), dbSNP rs758256550, ClinGen allele CA2740095686.

ClinVar aggregate classification (germline): Uncertain significance (1 of 4 stars; one submission).

Conditions:
Holoprosencephaly 9 (HPE9). Also called: HOLOPROSENCEPHALY WITH MICROPHTHALMIA AND FIRST BRANCHIAL ARCH ANOMALIES; PITUITARY ANOMALIES WITH HOLOPROSENCEPHALY-LIKE FEATURES. Identifiers: Orphanet 2162, MedGen C1835819, MONDO:0012563, OMIM 610829.
Postaxial polydactyly-anterior pituitary anomalies-facial dysmorphism syndrome. Also called: Culler-Jones syndrome. Identifiers: Orphanet 420584, MedGen C4014479, MONDO:0014369, OMIM 615849.

Submission:

Labcorp Genetics (formerly Invitae), Labcorp
Classification: Uncertain significance for Postaxial polydactyly-anterior pituitary anomalies-facial dysmorphism syndrome; Holoprosencephaly 9. Last evaluated: 2023-03-08. Review status: criteria provided, single submitter. Criteria: Invitae Variant Classification Sherloc (09022015). Collection method: clinical testing. Allele origin: germline.
Comment: In summary, the available evidence is currently insufficient to determine the role of this variant in disease. Therefore, it has been classified as a Variant of Uncertain Significance. Algorithms developed to predict the effect of sequence changes on RNA splicing suggest that this variant may create or strengthen a splice site. This variant has not been reported in the literature in individuals affected with GLI2-related conditions. This variant is not present in population databases (gnomAD no frequency). This sequence change falls in intron 9 of the GLI2 gene. It does not directly change the encoded amino acid sequence of the GLI2 protein.